The following is an entry in ClinVar:

NM_006846.4(SPINK5):c.667-250G>A

Gene: SPINK5 (serine peptidase inhibitor Kazal type 5; plus strand). Cytogenetic location: 5q32.
Variant type: single nucleotide variant.
Coding change: c.667-250G>A on transcript NM_006846.4 (MANE Select); 250 bases into the intron before coding-DNA position 667, G replaced by A.
Molecular consequence: intron variant.
Genome position (GRCh38, 1-based): chr5:148,094,104, G>A. VCF-style: chr5-148094104-G-A. GRCh37 (hg19) VCF-style: chr5-147473667-G-A.
Other names: c.667-250G>A (NM_001127698.2, NM_001127699.2).
Identifiers: ClinVar variation 677123 (VCV000677123.1), dbSNP rs7700488, ClinGen allele CA11984301.

ClinVar aggregate classification (germline): Benign (1 of 4 stars; one submission).

Allele frequency attached by ClinVar (database versions not stated): 1000 Genomes Project 0.45927; 1000 Genomes Project 30x 0.45690; TOPMed 0.46532.
gnomAD v4.1: 70,446 of 151,550 alleles (46%); highest among the groups gnomAD compares: Admixed American, 59%; 17,105 homozygotes.

Submission:

GeneDx
Classification: Benign. Last evaluated: 2018-06-14. Review status: criteria provided, single submitter. Criteria: GeneDx Variant Classification (06012015). Collection method: clinical testing. Allele origin: germline. Affected: yes.
Comment: This variant is considered likely benign or benign based on one or more of the following criteria: it is a conservative change, it occurs at a poorly conserved position in the protein, it is predicted to be benign by multiple in silico algorithms, and/or has population frequency not consistent with disease.